The following is an entry in ClinVar:

NM_001371986.1(UNC80):c.8465C>T (p.Thr2822Ile)

Gene: UNC80 (unc-80 subunit of NALCN channel complex; plus strand). Cytogenetic location: 2q34.
Variant type: single nucleotide variant.
Coding change: c.8465C>T on transcript NM_001371986.1 (MANE Select); coding-DNA position 8465, C replaced by T.
Protein change: p.Thr2822Ile; replaces threonine 2822 with isoleucine.
Molecular consequence: missense variant.
Genome position (GRCh38, 1-based): chr2:209,973,148, C>T. VCF-style: chr2-209973148-C-T. GRCh37 (hg19) VCF-style: chr2-210837872-C-T.
Other names: c.8267C>T, p.Thr2756Ile (NM_032504.2); c.8252C>T, p.Thr2751Ile (NM_182587.4); short protein forms T2751I, T2822I, T2756I.
Identifiers: ClinVar variation 2176223 (VCV002176223.4), dbSNP rs2092925714, ClinGen allele CA350413282.

ClinVar aggregate classification (germline): Uncertain significance (1 of 4 stars; one submission).

Submission:

Labcorp Genetics (formerly Invitae), Labcorp
Classification: Uncertain significance. Last evaluated: 2022-05-22. Review status: criteria provided, single submitter. Criteria: Invitae Variant Classification Sherloc (09022015). Collection method: clinical testing. Allele origin: germline.
Comment: This sequence change replaces threonine, which is neutral and polar, with isoleucine, which is neutral and non-polar, at codon 2756 of the UNC80 protein (p.Thr2756Ile). This variant is not present in population databases (gnomAD no frequency). This variant has not been reported in the literature in individuals affected with UNC80-related conditions. Algorithms developed to predict the effect of missense changes on protein structure and function are either unavailable or do not agree on the potential impact of this missense change (SIFT: "Not Available"; PolyPhen-2: "Probably Damaging"; Align-GVGD: "Not Available"). In summary, the available evidence is currently insufficient to determine the role of this variant in disease. Therefore, it has been classified as a Variant of Uncertain Significance.